The following is an entry in ClinVar:

NM_022455.5(NSD1):c.6377A>G (p.Asp2126Gly)

Gene: NSD1 (nuclear receptor binding SET domain protein 1; plus strand). Cytogenetic location: 5q35.3.
Variant type: single nucleotide variant.
Coding change: c.6377A>G on transcript NM_022455.5 (MANE Select); coding-DNA position 6377, A replaced by G.
Protein change: p.Asp2126Gly; replaces aspartic acid 2126 with glycine.
Molecular consequence: missense variant.
Genome position (GRCh38, 1-based): chr5:177,292,072, A>G. VCF-style: chr5-177292072-A-G. GRCh37 (hg19) VCF-style: chr5-176719073-A-G.
Other names: c.5504A>G, p.Asp1835Gly (NM_001365684.2, NM_001409308.1, NM_172349.5); c.6377A>G, p.Asp2126Gly (NM_001409301.1, NM_001409302.1, NM_001409303.1); c.5957A>G, p.Asp1986Gly (NM_001409304.1); c.5624A>G, p.Asp1875Gly (NM_001409305.1); c.5615A>G, p.Asp1872Gly (NM_001409306.1, NM_001409307.1); c.5255A>G, p.Asp1752Gly (NM_001409309.1); short protein forms D1872G, D1986G, D1835G, D1752G, D2126G, D1875G.
Identifiers: ClinVar variation 3407956 (VCV003407956.2).

ClinVar aggregate classification (germline): Uncertain significance. Review status: criteria provided, multiple submitters, no conflicts (2 of 4 stars). 2 submissions from 2 submitters: Uncertain significance (2). Last evaluated 2024-09-09.

Conditions:
Inborn genetic diseases. Identifiers: MedGen C0950123, MeSH D030342.

Submissions (2):

Ambry Genetics
Classification: Uncertain significance for Inborn genetic diseases. Last evaluated: 2024-09-09. Review status: criteria provided, single submitter. Criteria: Ambry Variant Classification Scheme 2023. Collection method: clinical testing. Allele origin: germline.
Comment: The c.6377A>G (p.D2126G) alteration is located in exon 22 (coding exon 21) of the NSD1 gene. This alteration results from an A to G substitution at nucleotide position 6377, causing the aspartic acid (D) at amino acid position 2126 to be replaced by a glycine (G). This variant was not reported in population-based cohorts in the Genome Aggregation Database (gnomAD). This amino acid position is highly conserved in available vertebrate species. This alteration is predicted to be deleterious by in silico analysis. Based on insufficient or conflicting evidence, the clinical significance of this alteration remains unclear.

Blueprint Genetics
Classification: Uncertain significance. Last evaluated: 2022-05-06. Review status: criteria provided, single submitter. Criteria: ACMG Guidelines, 2015. Collection method: clinical testing. Allele origin: germline.